The following is an entry in ClinVar:

NM_004304.5(ALK):c.1322T>G (p.Phe441Cys)

Gene: ALK (ALK receptor tyrosine kinase; minus strand). Cytogenetic location: 2p23.2.
Variant type: single nucleotide variant.
Coding change: c.1322T>G on transcript NM_004304.5 (MANE Select); coding-DNA position 1322, T replaced by G.
Protein change: p.Phe441Cys; replaces phenylalanine 441 with cysteine.
Molecular consequence: missense variant.
Genome position (GRCh38, 1-based): chr2:29,328,442, A>C on the plus strand (T>G on the coding strand, the complement: ALK is on the minus strand). VCF-style: chr2-29328442-A-C. GRCh37 (hg19) VCF-style: chr2-29551308-A-C.
Other names: short protein forms F441C.
Identifiers: ClinVar variation 1769936 (VCV001769936.2), dbSNP rs2465459645, ClinGen allele CA346474437.

ClinVar aggregate classification (germline): Uncertain significance (1 of 4 stars; one submission).

Conditions:
Hereditary cancer-predisposing syndrome. Also called: Hereditary Cancer Syndrome; Hereditary neoplastic syndrome; Neoplastic Syndromes, Hereditary; Tumor predisposition. Identifiers: Orphanet 140162, MedGen C0027672, MeSH D009386, MONDO:0015356.

Submission:

Ambry Genetics
Classification: Uncertain significance for Hereditary cancer-predisposing syndrome. Last evaluated: 2022-02-13. Review status: criteria provided, single submitter. Criteria: Ambry Variant Classification Scheme 2023. Collection method: clinical testing. Allele origin: germline.
Comment: The p.F441C variant (also known as c.1322T>G), located in coding exon 6 of the ALK gene, results from a T to G substitution at nucleotide position 1322. The phenylalanine at codon 441 is replaced by cysteine, an amino acid with highly dissimilar properties. This amino acid position is conserved. In addition, this alteration is predicted to be deleterious by in silico analysis. Since supporting evidence is limited at this time, the clinical significance of this alteration remains unclear.